The following is an entry in ClinVar:

NM_001329943.3(KIAA0586):c.1667dup (p.Arg557fs)

Gene: KIAA0586 (KIAA0586; plus strand). Cytogenetic location: 14q23.1.
Variant type: Duplication.
Coding change: c.1667dup on transcript NM_001329943.3 (MANE Select); coding-DNA position 1667, one base duplicated (C; older notation c.1667dupC).
Protein change: p.Arg557fs; shifts the reading frame from arginine 557.
Molecular consequence: frameshift variant. On other transcripts: intron variant (1).
Genome position (GRCh38, 1-based): chr14:58,459,853, C duplicated. VCF-style (leftmost placement, unchanged base first): chr14-58459852-T-TC. GRCh37 (hg19) VCF-style: chr14-58926570-T-TC.
Other names: c.1826dup, p.Arg610fs (NM_001244189.2); c.1622dup, p.Arg542fs (NM_001244190.2); c.1412dup, p.Arg472fs (NM_001244191.2, NM_001329945.2, NM_001364700.1 and 1 more transcripts); c.1535dup, p.Arg513fs (NM_001244192.2); c.1247dup, p.Arg417fs (NM_001244193.2); c.1667dup, p.Arg557fs (NM_001329944.2, NM_001329946.2, NM_001329947.2); c.1657-1133dup (NM_014749.5); short protein forms R417fs, R472fs, R513fs, R542fs, R557fs, R610fs.
Identifiers: ClinVar variation 1072185 (VCV001072185.7), dbSNP rs2140873534, ClinGen allele CA2499222651.

ClinVar aggregate classification (germline): Pathogenic (1 of 4 stars; one submission).

Conditions:
Short-rib thoracic dysplasia 14 with polydactyly (SRTD14). Identifiers: Orphanet 397715, MedGen C4225286, MONDO:0014688, OMIM 616546.
Joubert syndrome 23 (JBTS23). Identifiers: Orphanet 475, MedGen C4084822, MONDO:0014664, OMIM 616490.

Submission:

Labcorp Genetics (formerly Invitae), Labcorp
Classification: Pathogenic for Joubert syndrome 23; Short-rib thoracic dysplasia 14 with polydactyly. Last evaluated: 2020-08-20. Review status: criteria provided, single submitter. Criteria: Invitae Variant Classification Sherloc (09022015). Collection method: clinical testing. Allele origin: germline.
Comment: For these reasons, this variant has been classified as Pathogenic. Loss-of-function variants in KIAA0586 are known to be pathogenic (PMID: 26096313, 26166481, 26386044). This variant has not been reported in the literature in individuals with KIAA0586-related conditions. The frequency data for this variant in the population databases is considered unreliable, as metrics indicate insufficient coverage at this position in the ExAC database. This sequence change creates a premature translational stop signal (p.Arg610Lysfs*5) in the KIAA0586 gene. It is expected to result in an absent or disrupted protein product.

Literature cited by the submitters: PubMed 26096313; PubMed 26166481; PubMed 26386044.